The following is an entry in ClinVar:

ClinVar aggregate classification (germline): Uncertain significance (1 of 4 stars; one submission).

Submission:

GeneDx
Classification: Uncertain significance. Last evaluated: 2024-04-21. Review status: criteria provided, single submitter. Criteria: GeneDx Variant Classification Process June 2021. Collection method: clinical testing. Allele origin: germline. Affected: yes.
Comment: Has not been previously published as pathogenic or benign to our knowledge; Not observed at significant frequency in large population cohorts (gnomAD); In silico analysis supports that this missense variant has a deleterious effect on protein structure/function

NM_000381.4(MID1):c.214G>A (p.Gly72Arg)

Gene: MID1 (midline 1; minus strand). Cytogenetic location: Xp22.2.
Variant type: single nucleotide variant.
Coding change: c.214G>A on transcript NM_000381.4 (MANE Select); coding-DNA position 214, G replaced by A.
Protein change: p.Gly72Arg; replaces glycine 72 with arginine.
Molecular consequence: missense variant.
Genome position (GRCh38, 1-based): chrX:10,567,334, C>T on the plus strand (G>A on the coding strand, the complement: MID1 is on the minus strand). VCF-style: chrX-10567334-C-T. GRCh37 (hg19) VCF-style: chrX-10535374-C-T.
Other names: c.214G>A, p.Gly72Arg (NM_001098624.2, NM_001193277.1, NM_001193278.1 and 5 more transcripts); short protein forms G72R.
Identifiers: ClinVar variation 3372747 (VCV003372747.1).